The following is an entry in ClinVar:

ClinVar aggregate classification (germline): Uncertain significance (1 of 4 stars; one submission).

Conditions:
Hereditary cancer-predisposing syndrome. Also called: Tumor predisposition; Hereditary Cancer Syndrome; Neoplastic Syndromes, Hereditary; Hereditary neoplastic syndrome. Identifiers: Orphanet 140162, MedGen C0027672, MeSH D009386, MONDO:0015356.

gnomAD v4.1: 2 of 1,614,200 alleles (0.00012%); highest among the groups gnomAD compares: Non-Finnish European, 0.00017%; no homozygotes.

Submission:

Ambry Genetics
Classification: Uncertain significance for Hereditary cancer-predisposing syndrome. Last evaluated: 2019-01-08. Review status: criteria provided, single submitter. Criteria: Ambry Variant Classification Scheme 2023. Collection method: clinical testing. Allele origin: germline.
Comment: The p.N1068K variant (also known as c.3204C>G), located in coding exon 20 of the RET gene, results from a C to G substitution at nucleotide position 3204. The asparagine at codon 1068 is replaced by lysine, an amino acid with similar properties. This amino acid position is well conserved in available vertebrate species. In addition, the in silico prediction for this alteration is inconclusive. Since supporting evidence is limited at this time, the clinical significance of this alteration remains unclear.

NM_020975.6(RET):c.3204C>G (p.Asn1068Lys)

Gene: RET (ret proto-oncogene; plus strand). Cytogenetic location: 10q11.21.
Variant type: single nucleotide variant.
Coding change: c.3204C>G on transcript NM_020975.6 (MANE Select); coding-DNA position 3204, C replaced by G.
Protein change: p.Asn1068Lys; replaces asparagine 1068 with lysine.
Molecular consequence: missense variant.
Genome position (GRCh38, 1-based): chr10:43,128,128, C>G. VCF-style: chr10-43128128-C-G. GRCh37 (hg19) VCF-style: chr10-43623576-C-G.
Other names: short protein forms N1068K.
Identifiers: ClinVar variation 823183 (VCV000823183.4), dbSNP rs768699100, ClinGen allele CA376558815.
Genomic context (GRCh38, chr10:43,128,128, plus strand): 5'-TTTGGTTCTTCAGTGCAGAACAAATGATCTGTTTTCATTTTTAGGCATGTCAGACCCGAA[C>G]TGGCCTGGAGAGAGTCCTGTACCACTCACGAGAGCTGATGGCACTAACACTGGGTTTCCA-3'
Protein context (NP_066124.1, residues 1058-1078): ENKLYGMSDP[Asn1068Lys]WPGESPVPLT